The following is an entry in ClinVar:

ClinVar aggregate classification (germline): Uncertain significance (1 of 4 stars; one submission).

Conditions:
Primary ciliary dyskinesia. Also called: Ciliary dyskinesia. Identifiers: Orphanet 244, MedGen C0008780, MONDO:0016575, HP:0012265.

gnomAD v4.1: 26 of 1,614,106 alleles (0.0016%); highest among the groups gnomAD compares: East Asian, 0.0067%; no homozygotes.

Submission:

Labcorp Genetics (formerly Invitae), Labcorp
Classification: Uncertain significance for Primary ciliary dyskinesia. Last evaluated: 2024-05-08. Review status: criteria provided, single submitter. Criteria: Invitae Variant Classification Sherloc (09022015). Collection method: clinical testing. Allele origin: germline.
Comment: This sequence change replaces leucine, which is neutral and non-polar, with valine, which is neutral and non-polar, at codon 128 of the DNAAF3 protein (p.Leu128Val). This variant is present in population databases (rs367839631, gnomAD 0.02%). This variant has not been reported in the literature in individuals affected with DNAAF3-related conditions. Advanced modeling of protein sequence and biophysical properties (such as structural, functional, and spatial information, amino acid conservation, physicochemical variation, residue mobility, and thermodynamic stability) performed at Invitae indicates that this missense variant is not expected to disrupt DNAAF3 protein function with a negative predictive value of 80%. In summary, the available evidence is currently insufficient to determine the role of this variant in disease. Therefore, it has been classified as a Variant of Uncertain Significance.

NM_001256715.2(DNAAF3):c.178C>G (p.Leu60Val)

Genes: DNAAF3 (dynein axonemal assembly factor 3; minus strand), DNAAF3-AS1 (DNAAF3 antisense RNA 1; plus strand). Cytogenetic location: 19q13.42.
Variant type: single nucleotide variant.
Coding change: c.178C>G on transcript NM_001256715.2 (MANE Select); coding-DNA position 178, C replaced by G.
Protein change: p.Leu60Val; replaces leucine 60 with valine.
Molecular consequence: missense variant. On other transcripts: 5 prime UTR variant (1).
Genome position (GRCh38, 1-based): chr19:55,165,908, G>C on the plus strand (C>G on the coding strand, the complement: DNAAF3 is on the minus strand). VCF-style: chr19-55165908-G-C. GRCh37 (hg19) VCF-style: chr19-55677276-G-C.
Other names: c.382C>G, p.Leu128Val (NM_001256714.1); c.-61C>G (NM_001256716.2); c.319C>G, p.Leu107Val (NM_178837.4); short protein forms L107V, L128V, L60V.
Identifiers: ClinVar variation 3702841 (VCV003702841.2).